The following is an entry in ClinVar:

ClinVar aggregate classification (germline): Uncertain significance (1 of 4 stars; one submission).

Conditions:
Peutz-Jeghers syndrome (PJS). Also called: POLYPOSIS, HAMARTOMATOUS INTESTINAL; POLYPS-AND-SPOTS SYNDROME; Peutz-Jeghers polyposis; Periorificial lentiginosis syndrome. Identifiers: Orphanet 2869, MedGen C0031269, MeSH D010580, MONDO:0008280, OMIM 175200.

Submission:

All of Us Research Program, National Institutes of Health
Classification: Uncertain significance for Peutz-Jeghers syndrome. Last evaluated: 2023-03-07. Review status: criteria provided, single submitter. Criteria: ACMG Guidelines, 2015. Collection method: clinical testing. Allele origin: germline. Inheritance: Autosomal dominant inheritance. Observed: 1 variant allele, 1 heterozygote.
Comment: This missense variant replaces proline with threonine at codon 89 of the STK11 protein. Computational prediction suggests that this variant may not impact protein structure and function (internally defined REVEL score threshold <= 0.5, PMID: 27666373). To our knowledge, functional studies have not been reported for this variant. This variant has not been reported in individuals affected with STK11-related disorders in the literature. This variant has not been identified in the general population by the Genome Aggregation Database (gnomAD). The available evidence is insufficient to determine the role of this variant in disease conclusively. Therefore, this variant is classified as a Variant of Uncertain Significance.

This study involves interpretation of variants in research participants for the purpose of population health screening. Participant phenotype was not available at the time of variant classification. Additional details can be found in publication PMID: 35346344, PMCID: PMC8962531

NM_000455.5(STK11):c.265C>A (p.Pro89Thr)

Gene: STK11 (serine/threonine kinase 11; plus strand). Cytogenetic location: 19p13.3.
Variant type: single nucleotide variant.
Coding change: c.265C>A on transcript NM_000455.5 (MANE Select); coding-DNA position 265, C replaced by A.
Protein change: p.Pro89Thr; replaces proline 89 with threonine.
Molecular consequence: missense variant. On other transcripts: non-coding transcript variant (1).
Genome position (GRCh38, 1-based): chr19:1,207,178, C>A. VCF-style: chr19-1207178-C-A. GRCh37 (hg19) VCF-style: chr19-1207177-C-A.
Other names: c.265C>A, p.Pro89Thr (NM_001407255.1); short protein forms P89T.
Identifiers: ClinVar variation 3069773 (VCV003069773.1), dbSNP rs1599915282, ClinGen allele CA402944560.
Genomic context (GRCh38, chr19:1,207,178, plus strand): 5'-TCGGAGACGCTGTGCAGGAGGGCCGTCAAGATCCTCAAGAAGAAGAAGTTGCGAAGGATC[C>A]CCAACGGGGAGGCCAACGTGAAGAAGTAAGTATGGCTTGCTGGGGTCGGGGCCGGGCCGG-3'
Protein context (NP_000446.1, residues 79-99): ILKKKKLRRI[Pro89Thr]NGEANVKKEI